The following is an entry in ClinVar:

ClinVar aggregate classification (germline): Conflicting classifications of pathogenicity. Review status: criteria provided, conflicting classifications (1 of 4 stars). 4 submissions from 3 submitters: Pathogenic (1); Uncertain significance (2). 1 of the submissions does not count toward it. Last evaluated 2021-11-13.

Conditions:
Familial hyperinsulinism. Also called: Congenital hyperinsulinism. Identifiers: Orphanet 276525, MedGen C3888018, MONDO:0017182. Disease mechanism: loss of function.
Transitory neonatal diabetes mellitus. Also called: Transient neonatal diabetes mellitus. Identifiers: MedGen C0342273, MONDO:0020525, HP:0008255.
Maturity-onset diabetes of the young (MODY). Also called: Maturity onset diabetes mellitus in young. Identifiers: Orphanet 552, MedGen C0342276, MONDO:0018911, HP:0004904.
Hyperinsulinemic hypoglycemia, familial, 1 (HHF1). Also called: Persistent Hyperinsulinemia Hypoglycemia of Infancy; HYPERINSULINISM, FAMILIAL, WITH PANCREATIC NESIDIOBLASTOSIS; HYPOGLYCEMIA, HYPERINSULINEMIC, OF INFANCY; NESIDIOBLASTOSIS OF PANCREAS; Persistent hyperinsulinemic hypoglycemia of infancy. Identifiers: Orphanet 276575, Orphanet 276598, MedGen C2931832, MONDO:0009734, OMIM 256450.

Submissions (4):

Women's Health and Genetics/Laboratory Corporation of America, LabCorp
Classification: Pathogenic for Familial hyperinsulinism. Last evaluated: 2021-11-13. Review status: criteria provided, single submitter. Criteria: LabCorp Variant Classification Summary - May 2015. Collection method: clinical testing. Allele origin: germline.
Comment: Variant summary: ABCC8 c.584dupA (p.Tyr195X) results in a premature termination codon, predicted to cause a truncation of the encoded protein or absence of the protein due to nonsense mediated decay, which are commonly known mechanisms for disease. Truncations downstream of this position have been classified as pathogenic by our laboratory. The variant was absent in 250770 control chromosomes. c.584dupA has been reported in the literature in individuals affected with Congenital Hyperinsulinism (example, Fernandez_2006). These data indicate that the variant is likely to be associated with disease. One clinical diagnostic laboratory has submitted clinical-significance assessments for this variant to ClinVar after 2014 and classified the variant as pathogenic. Based on the evidence outlined above, the variant was classified as pathogenic.

Clinical Genomics, Uppaluri K&H Personalized Medicine Clinic
Classification: Uncertain significance for Maturity-onset diabetes of the young. Review status: criteria provided, single submitter. Criteria: K & H Uppaluri Personalized Medicine Clinic Variant Classification & Assertion Criteria_Updated V.1. Collection method: research. Allele origin: unknown. Inheritance: Somatic mutation.
Comment: Mutations in ABCC8 gene are associated with both neonatal diabetes mellitus as well as MODY. Patients with this mutation may have a better response to sulfonylureas. However, no sufficient evidence is found to ascertain the role of this particular variant (rs1057517199) in MODY yet.

Clinical Genomics, Uppaluri K&H Personalized Medicine Clinic
Classification: Uncertain significance for Transitory neonatal diabetes mellitus. Review status: criteria provided, single submitter. Criteria: K & H Uppaluri Personalized Medicine Clinic Variant Classification & Assertion Criteria_Updated V.1. Collection method: research. Allele origin: unknown. Inheritance: Somatic mutation.
Comment: Mutations in ABCC8 gene are associated with both neonatal diabetes mellitus as well as MODY. Patients with this mutation may have a better response to sulfonylureas. However, no sufficient evidence is found to ascertain the role of this particular variant (rs1057517199) in neonatal diabetes yet.

Counsyl
Classification: Pathogenic for Hyperinsulinemic hypoglycemia, familial, 1. Last evaluated: 2016-08-31. Review status: no assertion criteria provided. Collection method: clinical testing. Allele origin: unknown. Not counted in ClinVar's aggregate classification.

Literature cited by the submitters: PubMed 16429405 (cited by Women's Health and Genetics/Laboratory Corporation of America, LabCorp and Counsyl); PubMed 30395892 (cited by Women's Health and Genetics/Laboratory Corporation of America, LabCorp); PubMed 16885549 (cited by Clinical Genomics, Uppaluri K&H Personalized Medicine Clinic); PubMed 21989597 (cited by Clinical Genomics, Uppaluri K&H Personalized Medicine Clinic); PubMed 27538677 (cited by Clinical Genomics, Uppaluri K&H Personalized Medicine Clinic); PubMed 18981553 (cited by Clinical Genomics, Uppaluri K&H Personalized Medicine Clinic); PubMed 16613899 (cited by Clinical Genomics, Uppaluri K&H Personalized Medicine Clinic); PubMed 32027066 (cited by Clinical Genomics, Uppaluri K&H Personalized Medicine Clinic); PubMed 18025408 (cited by Clinical Genomics, Uppaluri K&H Personalized Medicine Clinic); PubMed 32792356 (cited by Clinical Genomics, Uppaluri K&H Personalized Medicine Clinic).

NM_000352.6(ABCC8):c.584dup (p.Tyr195Ter)

Gene: ABCC8 (ATP binding cassette subfamily C member 8; minus strand). Cytogenetic location: 11p15.1.
Variant type: Duplication.
Coding change: c.584dup on transcript NM_000352.6 (MANE Select); coding-DNA position 584, one base duplicated (A; older notation c.584dupA).
Protein change: p.Tyr195Ter; replaces tyrosine 195 with a stop codon.
Molecular consequence: nonsense. On other transcripts: non-coding transcript variant (1).
Genome position (GRCh38, 1-based): chr11:17,461,821, T duplicated on the plus strand (A on the coding strand, the reverse complement: ABCC8 is on the minus strand). VCF-style (leftmost placement, unchanged base first): chr11-17461820-G-GT. GRCh37 (hg19) VCF-style: chr11-17483367-G-GT.
Other names: c.584dup, p.Tyr195Ter (NM_001287174.3, NM_001351295.2, NM_001351296.2 and 1 more transcripts); short protein forms Y195*.
Identifiers: ClinVar variation 371346 (VCV000371346.5), dbSNP rs1057517199, ClinGen allele CA16041457.
Genomic context (GRCh38, chr11:17,461,820, plus strand): 5'-TACCCCCAGGTCTTGCAGGTCCTCGGGAGGCTTCACCTCCCTCGGTGTCTTGAAGAAGAT[G>GT]TATCTCTGTGGGGCACATGGGCCATGGGGGATGGGTAAGTCCAACTTCTCACCACTCCCT-3'